The following is an entry in ClinVar:

ClinVar aggregate classification (germline): Uncertain significance (1 of 4 stars; one submission).

Submission:

Labcorp Genetics (formerly Invitae), Labcorp
Classification: Uncertain significance. Last evaluated: 2022-08-23. Review status: criteria provided, single submitter. Criteria: Invitae Variant Classification Sherloc (09022015). Collection method: clinical testing. Allele origin: germline.
Comment: In summary, the available evidence is currently insufficient to determine the role of this variant in disease. Therefore, it has been classified as a Variant of Uncertain Significance. Algorithms developed to predict the effect of missense changes on protein structure and function are either unavailable or do not agree on the potential impact of this missense change (SIFT: "Tolerated"; PolyPhen-2: "Possibly Damaging"; Align-GVGD: "Class C0"). This variant has not been reported in the literature in individuals affected with PIGV-related conditions. This variant is not present in population databases (gnomAD no frequency). This sequence change replaces cysteine, which is neutral and slightly polar, with serine, which is neutral and polar, at codon 156 of the PIGV protein (p.Cys156Ser).

NM_017837.4(PIGV):c.467G>C (p.Cys156Ser)

Gene: PIGV (phosphatidylinositol glycan anchor biosynthesis class V; plus strand). Cytogenetic location: 1p36.11.
Variant type: single nucleotide variant.
Coding change: c.467G>C on transcript NM_017837.4 (MANE Select); coding-DNA position 467, G replaced by C.
Protein change: p.Cys156Ser; replaces cysteine 156 with serine.
Molecular consequence: missense variant. On other transcripts: non-coding transcript variant (1), intron variant (3).
Genome position (GRCh38, 1-based): chr1:26,794,501, G>C. VCF-style: chr1-26794501-G-C. GRCh37 (hg19) VCF-style: chr1-27120992-G-C.
Other names: c.467G>C, p.Cys156Ser (NM_001202554.2, NM_001374478.1, NM_001374480.1 and 2 more transcripts); c.86G>C, p.Cys29Ser (NM_001374483.1); c.172+295G>C (NM_001374484.1, NM_001374485.1); c.79-3062G>C (NM_001374486.1); short protein forms C29S, C156S.
Identifiers: ClinVar variation 1995751 (VCV001995751.4), dbSNP rs387907023, ClinGen allele CA339199812.